The following is an entry in ClinVar:

ClinVar aggregate classification (germline): Uncertain significance (1 of 4 stars; one submission).

Allele frequency attached by ClinVar (database versions not stated): gnomAD 0.00001.
gnomAD v4.1: 1 of 1,613,300 alleles (0.000062%); highest among the groups gnomAD compares: Non-Finnish European, 0.000085%; no homozygotes.

Submission:

Ambry Genetics
Classification: Uncertain significance. Last evaluated: 2024-06-21. Review status: criteria provided, single submitter. Criteria: Ambry Variant Classification Scheme 2023. Collection method: clinical testing. Allele origin: germline.
Comment: The p.D81G variant (also known as c.242A>G), located in coding exon 3 of the ALPK2 gene, results from an A to G substitution at nucleotide position 242. The aspartic acid at codon 81 is replaced by glycine, an amino acid with similar properties. This amino acid position is conserved. In addition, this alteration is predicted to be deleterious by in silico analysis. Since supporting evidence is limited at this time, the clinical significance of this alteration remains unclear.

NM_052947.4(ALPK2):c.242A>G (p.Asp81Gly)

Gene: ALPK2 (alpha kinase 2; minus strand). Cytogenetic location: 18q21.31.
Variant type: single nucleotide variant.
Coding change: c.242A>G on transcript NM_052947.4 (MANE Select); coding-DNA position 242, A replaced by G.
Protein change: p.Asp81Gly; replaces aspartic acid 81 with glycine.
Molecular consequence: missense variant.
Genome position (GRCh38, 1-based): chr18:58,580,534, T>C on the plus strand (A>G on the coding strand, the complement: ALPK2 is on the minus strand). VCF-style: chr18-58580534-T-C. GRCh37 (hg19) VCF-style: chr18-56247766-T-C.
Other names: short protein forms D81G.
Identifiers: ClinVar variation 1791136 (VCV001791136.4), dbSNP rs976139366, ClinGen allele CA300927719.